The following is an entry in ClinVar:

NM_001048174.2(MUTYH):c.1420C>A (p.Pro474Thr)

Gene: MUTYH (mutY DNA glycosylase; minus strand). Cytogenetic location: 1p34.1.
Variant type: single nucleotide variant.
Coding change: c.1420C>A on transcript NM_001048174.2 (MANE Select); coding-DNA position 1420, C replaced by A.
Protein change: p.Pro474Thr; replaces proline 474 with threonine.
Molecular consequence: missense variant. On other transcripts: non-coding transcript variant (2).
Genome position (GRCh38, 1-based): chr1:45,330,530, G>T on the plus strand (C>A on the coding strand, the complement: MUTYH is on the minus strand). VCF-style: chr1-45330530-G-T. GRCh37 (hg19) VCF-style: chr1-45796202-G-T.
Other names: c.1420C>A, p.Pro474Thr (NM_001048171.2, NM_001048173.2, NM_001293195.2); c.1423C>A, p.Pro475Thr (NM_001048172.2); c.1504C>A, p.Pro502Thr (NM_001128425.2); c.1465C>A, p.Pro489Thr (NM_001293190.2); c.1453C>A, p.Pro485Thr (NM_001293191.2); c.1144C>A, p.Pro382Thr (NM_001293192.2, NM_001293196.2); c.1075C>A, p.Pro359Thr (NM_001350650.2, NM_001350651.2); c.1495C>A, p.Pro499Thr (NM_012222.3); short protein forms P475T, P502T, P359T, P382T, P474T, P485T, P489T, P499T.
Identifiers: ClinVar variation 839911 (VCV000839911.11), dbSNP rs1644621336, ClinGen allele CA340132335.
Genomic context (GRCh38, chr1:45,330,530, plus strand): 5'-ACTCAGGCCTGGGGAGACACGGTTGGGAGAGGCCTAGGAGACTTACCATACAGGTCCCTG[G>T]CTGTTGGCCCTGATACACACGGAAAACCTAGACAAGAAGACAGGGAGGTGAGGGCTGGCA-3'
Protein context (NP_001041639.1, residues 464-484): KVFRVYQGQQ[Pro474Thr]GTCMGSKRSQ

ClinVar aggregate classification (germline): Conflicting classifications of pathogenicity. Review status: criteria provided, conflicting classifications (1 of 4 stars). 2 submissions from 2 submitters: Uncertain significance (1); Benign (1). Last evaluated 2025-09-09.

Conditions:
Hereditary cancer-predisposing syndrome. Also called: Tumor predisposition; Hereditary Cancer Syndrome; Hereditary neoplastic syndrome; Neoplastic Syndromes, Hereditary. Identifiers: Orphanet 140162, MedGen C0027672, MeSH D009386, MONDO:0015356.
Familial adenomatous polyposis 2. Also called: FAP type 2; MUTYH Polyposis; COLORECTAL ADENOMATOUS POLYPOSIS, AUTOSOMAL RECESSIVE; ADENOMAS, MULTIPLE COLORECTAL, AUTOSOMAL RECESSIVE; MUTYH-associated polyposis; MUTYH-related attenuated familial adenomatous polyposis. Identifiers: Orphanet 220460, Orphanet 247798, MedGen C3272841, MONDO:0012041, OMIM 608456.

Submissions (2):

Ambry Genetics
Classification: Benign for Hereditary cancer-predisposing syndrome. Last evaluated: 2025-09-09. Review status: criteria provided, single submitter. Criteria: Ambry Variant Classification Scheme 2023. Collection method: clinical testing. Allele origin: germline.

Labcorp Genetics (formerly Invitae), Labcorp
Classification: Uncertain significance for Familial adenomatous polyposis 2. Last evaluated: 2019-01-24. Review status: criteria provided, single submitter. Criteria: Invitae Variant Classification Sherloc (09022015). Collection method: clinical testing. Allele origin: germline.
Comment: This sequence change replaces proline with threonine at codon 502 of the MUTYH protein (p.Pro502Thr). The proline residue is weakly conserved and there is a small physicochemical difference between proline and threonine. This variant is not present in population databases (ExAC no frequency). In summary, the available evidence is currently insufficient to determine the role of this variant in disease. Therefore, it has been classified as a Variant of Uncertain Significance. Algorithms developed to predict the effect of missense changes on protein structure and function output the following: SIFT: "Tolerated"; PolyPhen-2: "Benign"; Align-GVGD: "Class C0". The threonine amino acid residue is found in multiple mammalian species, suggesting that this missense change does not adversely affect protein function. These predictions have not been confirmed by published functional studies and their clinical significance is uncertain. This variant has not been reported in the literature in individuals with MUTYH-related conditions.